The following is an entry in ClinVar:

ClinVar aggregate classification (germline): Uncertain significance (1 of 4 stars; one submission).

Conditions:
Autosomal dominant nocturnal frontal lobe epilepsy 5. Also called: KCNT1-Related Epilepsy; CILIARY DYSKINESIA, PRIMARY, 28, WITHOUT SITUS INVERSUS; CILIARY DYSKINESIA, PRIMARY, 28, WITH SITUS INVERSUS; Epilepsy, nocturnal frontal lobe, 5. Identifiers: Orphanet 98784, MedGen C3554306, MONDO:0014002, OMIM 615005.
Developmental and epileptic encephalopathy, 14 (DEE14). Also called: Early infantile epileptic encephalopathy 14. Identifiers: Orphanet 293181, MedGen C3554195, MONDO:0013989, OMIM 614959.

gnomAD v4.1: 8 of 1,596,032 alleles (0.0005%); highest among the groups gnomAD compares: Non-Finnish European, 0.00068%; no homozygotes.

Submission:

Labcorp Genetics (formerly Invitae), Labcorp
Classification: Uncertain significance for Autosomal dominant nocturnal frontal lobe epilepsy 5; Developmental and epileptic encephalopathy, 14. Last evaluated: 2023-03-04. Review status: criteria provided, single submitter. Criteria: Invitae Variant Classification Sherloc (09022015). Collection method: clinical testing. Allele origin: germline.
Comment: In summary, the available evidence is currently insufficient to determine the role of this variant in disease. Therefore, it has been classified as a Variant of Uncertain Significance. Advanced modeling of protein sequence and biophysical properties (such as structural, functional, and spatial information, amino acid conservation, physicochemical variation, residue mobility, and thermodynamic stability) performed at Invitae indicates that this missense variant is not expected to disrupt KCNT1 protein function. ClinVar contains an entry for this variant (Variation ID: 1059641). This variant has not been reported in the literature in individuals affected with KCNT1-related conditions. This variant is not present in population databases (gnomAD no frequency). This sequence change replaces leucine, which is neutral and non-polar, with methionine, which is neutral and non-polar, at codon 1140 of the KCNT1 protein (p.Leu1140Met).

NM_020822.3(KCNT1):c.3418C>A (p.Leu1140Met)

Gene: KCNT1 (potassium sodium-activated channel subfamily T member 1; plus strand). Cytogenetic location: 9q34.3.
Variant type: single nucleotide variant.
Coding change: c.3418C>A on transcript NM_020822.3 (MANE Select); coding-DNA position 3418, C replaced by A.
Protein change: p.Leu1140Met; replaces leucine 1140 with methionine.
Molecular consequence: missense variant.
Genome position (GRCh38, 1-based): chr9:135,786,437, C>A. VCF-style: chr9-135786437-C-A. GRCh37 (hg19) VCF-style: chr9-138678283-C-A.
Other names: c.3283C>A, p.Leu1095Met (NM_001272003.2); short protein forms L1095M, L1140M.
Identifiers: ClinVar variation 1059641 (VCV001059641.9), dbSNP rs1237797436, ClinGen allele CA375492106.
Genomic context (GRCh38, chr9:135,786,437, plus strand): 5'-GCGCCCAAGCAGGCAGGCCGGGCGGCGGCCGCGGAGTGGATCAGCCAGCAGCGCCTCAGC[C>A]TGTACCGGCGCTCTGAGCGCCAGGAGCTCTCCGAGCTGGTGAAGAACCGCATGAAGCACC-3'
Protein context (NP_065873.2, residues 1130-1150): AEWISQQRLS[Leu1140Met]YRRSERQELS